The following is an entry in ClinVar:

ClinVar aggregate classification (germline): Uncertain significance (1 of 4 stars; one submission).

Submission:

Ambry Genetics
Classification: Uncertain significance. Last evaluated: 2024-05-02. Review status: criteria provided, single submitter. Criteria: Ambry Variant Classification Scheme 2023. Collection method: clinical testing. Allele origin: germline.
Comment: The p.P132L variant (also known as c.395C>T), located in coding exon 6 of the NPAT gene, results from a C to T substitution at nucleotide position 395. The proline at codon 132 is replaced by leucine, an amino acid with similar properties. This amino acid position is conserved. In addition, this alteration is predicted to be tolerated by in silico analysis. Based on the available evidence, the clinical significance of this variant remains unclear.

NM_002519.3(NPAT):c.395C>T (p.Pro132Leu)

Gene: NPAT (nuclear protein, coactivator of histone transcription; minus strand). Cytogenetic location: 11q22.3.
Variant type: single nucleotide variant.
Coding change: c.395C>T on transcript NM_002519.3 (MANE Select); coding-DNA position 395, C replaced by T.
Protein change: p.Pro132Leu; replaces proline 132 with leucine.
Molecular consequence: missense variant.
Genome position (GRCh38, 1-based): chr11:108,189,267, G>A on the plus strand (C>T on the coding strand, the complement: NPAT is on the minus strand). VCF-style: chr11-108189267-G-A. GRCh37 (hg19) VCF-style: chr11-108059994-G-A.
Other names: c.395C>T, p.Pro132Leu (NM_001321307.1); short protein forms P132L.
Identifiers: ClinVar variation 3300622 (VCV003300622.1).